The following is an entry in ClinVar:

ClinVar aggregate classification (germline): Likely benign (1 of 4 stars; one submission).

Submission:

CeGaT Center for Human Genetics Tuebingen
Classification: Likely benign. Last evaluated: 2024-03-01. Review status: criteria provided, single submitter. Criteria: CeGaT Center For Human Genetics Tuebingen Variant Classification Criteria Version 2. Collection method: clinical testing. Allele origin: germline. Affected: yes. Observed: 2 variant alleles.
Comment: DDX56: PM2:Supporting, BP4, BP7

NM_019082.4(DDX56):c.1578C>A (p.Ser526=)

Gene: DDX56 (DEAD-box helicase 56; minus strand). Cytogenetic location: 7p13.
Variant type: single nucleotide variant.
Coding change: c.1578C>A on transcript NM_019082.4 (MANE Select); coding-DNA position 1578, C replaced by A.
Protein change: p.Ser526=; no amino-acid change (serine 526 retained).
Molecular consequence: synonymous variant.
Genome position (GRCh38, 1-based): chr7:44,566,068, G>T on the plus strand (C>A on the coding strand, the complement: DDX56 is on the minus strand). VCF-style: chr7-44566068-G-T. GRCh37 (hg19) VCF-style: chr7-44605667-G-T.
Other names: c.1458C>A, p.Ser486= (NM_001257189.2).
Identifiers: ClinVar variation 2657436 (VCV002657436.24), dbSNP rs1315738927, ClinGen allele CA454610657.